The following is an entry in ClinVar:

NM_022455.5(NSD1):c.6547T>A (p.Cys2183Ser)

Gene: NSD1 (nuclear receptor binding SET domain protein 1; plus strand). Cytogenetic location: 5q35.3.
Variant type: single nucleotide variant.
Coding change: c.6547T>A on transcript NM_022455.5 (MANE Select); coding-DNA position 6547, T replaced by A.
Protein change: p.Cys2183Ser; replaces cysteine 2183 with serine.
Molecular consequence: missense variant.
Genome position (GRCh38, 1-based): chr5:177,293,915, T>A. VCF-style: chr5-177293915-T-A. GRCh37 (hg19) VCF-style: chr5-176720916-T-A.
Other names: c.5674T>A, p.Cys1892Ser (NM_001365684.2, NM_001409308.1, NM_172349.5); c.6547T>A, p.Cys2183Ser (NM_001409301.1, NM_001409302.1, NM_001409303.1); c.6127T>A, p.Cys2043Ser (NM_001409304.1); c.5794T>A, p.Cys1932Ser (NM_001409305.1); c.5785T>A, p.Cys1929Ser (NM_001409306.1, NM_001409307.1); c.5425T>A, p.Cys1809Ser (NM_001409309.1); short protein forms C1809S, C1892S, C1929S, C1932S, C2043S, C2183S.
Identifiers: ClinVar variation 2571813 (VCV002571813.1), dbSNP rs1554207287, ClinGen allele CA362323877.

ClinVar aggregate classification (germline): Likely pathogenic (1 of 4 stars; one submission).

Submission:

GeneDx
Classification: Likely pathogenic. Last evaluated: 2023-06-08. Review status: criteria provided, single submitter. Criteria: GeneDx Variant Classification Process June 2021. Collection method: clinical testing. Allele origin: germline. Affected: yes.
Comment: Not observed at significant frequency in large population cohorts (gnomAD); In silico analysis supports that this missense variant has a deleterious effect on protein structure/function; Has not been previously published as pathogenic or benign to our knowledge